The following is an entry in ClinVar:

ClinVar aggregate classification (germline): Uncertain significance (1 of 4 stars; one submission).

Submission:

GeneDx
Classification: Uncertain significance. Last evaluated: 2024-10-20. Review status: criteria provided, single submitter. Criteria: GeneDx Variant Classification Process June 2021. Collection method: clinical testing. Allele origin: germline. Affected: yes.
Comment: Not observed at significant frequency in large population cohorts (gnomAD); In silico analysis supports that this missense variant has a deleterious effect on protein structure/function; Has not been previously published as pathogenic or benign to our knowledge

NM_170606.3(KMT2C):c.11354A>C (p.Lys3785Thr)

Gene: KMT2C (lysine methyltransferase 2C; minus strand). Cytogenetic location: 7q36.1.
Variant type: single nucleotide variant.
Coding change: c.11354A>C on transcript NM_170606.3 (MANE Select); coding-DNA position 11354, A replaced by C.
Protein change: p.Lys3785Thr; replaces lysine 3785 with threonine.
Molecular consequence: missense variant.
Genome position (GRCh38, 1-based): chr7:152,162,223, T>G on the plus strand (A>C on the coding strand, the complement: KMT2C is on the minus strand). VCF-style: chr7-152162223-T-G. GRCh37 (hg19) VCF-style: chr7-151859308-T-G.
Other names: short protein forms K3785T.
Identifiers: ClinVar variation 3781249 (VCV003781249.1).